The following is an entry in ClinVar:

NM_001247997.2(CLIP1):c.1024C>T (p.Arg342Cys)

Gene: CLIP1 (CAP-Gly domain containing linker protein 1; minus strand). Cytogenetic location: 12q24.31.
Variant type: single nucleotide variant.
Coding change: c.1024C>T on transcript NM_001247997.2 (MANE Select); coding-DNA position 1024, C replaced by T.
Protein change: p.Arg342Cys; replaces arginine 342 with cysteine.
Molecular consequence: missense variant.
Genome position (GRCh38, 1-based): chr12:122,355,294, G>A on the plus strand (C>T on the coding strand, the complement: CLIP1 is on the minus strand). VCF-style: chr12-122355294-G-A. GRCh37 (hg19) VCF-style: chr12-122839841-G-A.
Other names: c.1024C>T, p.Arg342Cys (NM_001389291.1, NM_002956.3, NM_198240.3); short protein forms R342C.
Identifiers: ClinVar variation 839306 (VCV000839306.11), dbSNP rs149345437, ClinGen allele CA6845713.

ClinVar aggregate classification (germline): Uncertain significance. Review status: criteria provided, multiple submitters, no conflicts (2 of 4 stars). 2 submissions from 2 submitters: Uncertain significance (2). Last evaluated 2025-05-16.

Allele frequency attached by ClinVar (database versions not stated): ExAC 0.00007; gnomAD 0.00011; TOPMed 0.00009; ESP Exome Variant Server 0.00015.
gnomAD v4.1: 184 of 1,613,878 alleles (0.011%); highest among the groups gnomAD compares: African/African-American, 0.019%; no homozygotes.

Submissions (2):

Ambry Genetics
Classification: Uncertain significance. Last evaluated: 2025-05-16. Review status: criteria provided, single submitter. Criteria: Ambry Variant Classification Scheme 2023. Collection method: clinical testing. Allele origin: germline.

Labcorp Genetics (formerly Invitae), Labcorp
Classification: Uncertain significance. Last evaluated: 2019-02-08. Review status: criteria provided, single submitter. Criteria: Invitae Variant Classification Sherloc (09022015). Collection method: clinical testing. Allele origin: germline.
Comment: In summary, this variant has uncertain impact on CLIP1 function. The available evidence is currently insufficient to determine its role in disease. Therefore, it has been classified as a Variant of Uncertain Significance. Algorithms developed to predict the effect of missense changes on protein structure and function do not agree on the potential impact of this missense change (SIFT: "Deleterious"; PolyPhen-2: "Probably Damaging"; Align-GVGD: "Class C0"). This sequence change replaces arginine with cysteine at codon 342 of the CLIP1 protein (p.Arg342Cys). The arginine residue is highly conserved and there is a large physicochemical difference between arginine and cysteine. This variant is present in population databases (rs149345437, ExAC 0.02%). This variant has not been reported in the literature in individuals with a CLIP1-related disease.